The following is an entry in ClinVar:

NM_001164508.2(NEB):c.1035+6A>G

Gene: NEB (nebulin; minus strand). Cytogenetic location: 2q23.3.
Variant type: single nucleotide variant.
Coding change: c.1035+6A>G on transcript NM_001164508.2 (MANE Select); 6 bases into the intron after coding-DNA position 1035, A replaced by G.
Molecular consequence: intron variant.
Genome position (GRCh38, 1-based): chr2:151,709,650, T>C on the plus strand (A>G on the coding strand, the complement: NEB is on the minus strand). VCF-style: chr2-151709650-T-C. GRCh37 (hg19) VCF-style: chr2-152566164-T-C.
Other names: c.1035+6A>G (NM_004543.5, NM_001164507.2, NM_001271208.2).
Identifiers: ClinVar variation 656578 (VCV000656578.6), dbSNP rs1577251081, ClinGen allele CA915942845.

ClinVar aggregate classification (germline): Uncertain significance (1 of 4 stars; one submission).

Conditions:
Nemaline myopathy 2 (NEM2). Also called: Nemaline myopathy 2, autosomal recessive. Identifiers: MedGen C1850569, MONDO:0009725, OMIM 256030.

Allele frequency attached by ClinVar (database versions not stated): gnomAD exomes below 0.00001.
gnomAD v4.1: 1 of 1,576,382 alleles (0.000063%); highest among the groups gnomAD compares: Non-Finnish European, 0.000086%; no homozygotes.

Submission:

Labcorp Genetics (formerly Invitae), Labcorp
Classification: Uncertain significance for Nemaline myopathy 2. Last evaluated: 2022-06-04. Review status: criteria provided, single submitter. Criteria: Invitae Variant Classification Sherloc (09022015). Collection method: clinical testing. Allele origin: germline.
Comment: This sequence change falls in intron 12 of the NEB gene. It does not directly change the encoded amino acid sequence of the NEB protein. It affects a nucleotide within the consensus splice site. This variant is not present in population databases (gnomAD no frequency). This variant has not been reported in the literature in individuals affected with NEB-related conditions. ClinVar contains an entry for this variant (Variation ID: 656578). Variants that disrupt the consensus splice site are a relatively common cause of aberrant splicing (PMID: 17576681, 9536098). Experimental studies and prediction algorithms are not available or were not evaluated, and the effect of this variant on mRNA splicing is currently unknown. In summary, the available evidence is currently insufficient to determine the role of this variant in disease. Therefore, it has been classified as a Variant of Uncertain Significance.

Literature cited by the submitters: PubMed 17576681; PubMed 9536098.